The following is an entry in ClinVar:

NM_198282.4(STING1):c.898G>A (p.Ala300Thr)

Gene: STING1 (stimulator of interferon response cGAMP interactor 1; minus strand). Cytogenetic location: 5q31.2.
Variant type: single nucleotide variant.
Coding change: c.898G>A on transcript NM_198282.4 (MANE Select); coding-DNA position 898, G replaced by A.
Protein change: p.Ala300Thr; replaces alanine 300 with threonine.
Molecular consequence: missense variant. On other transcripts: intron variant (1).
Genome position (GRCh38, 1-based): chr5:139,477,377, C>T on the plus strand (G>A on the coding strand, the complement: STING1 is on the minus strand). VCF-style: chr5-139477377-C-T. GRCh37 (hg19) VCF-style: chr5-138856962-C-T.
Other names: c.541G>A, p.Ala181Thr (NM_001367258.1); c.759+893G>A (NM_001301738.2); short protein forms A181T, A300T.
Identifiers: ClinVar variation 3717645 (VCV003717645.2).
Genomic context (GRCh38, chr5:139,477,377, plus strand): 5'-CCAACCCCTCACCCTGGTAGGCAATGAGGCGGCAGTTGTTCTGAGACTCAGGGGCATCTG[C>T]CAGGATGTCCTCAAGTGTCCGGCAGAAGAGTTTGGCCTGCTCAAGCCTATCCTCCCGGCT-3'
Protein context (NP_938023.1, residues 290-310): LFCRTLEDIL[Ala300Thr]DAPESQNNCR

ClinVar aggregate classification (germline): Uncertain significance (1 of 4 stars; one submission).

Conditions:
STING-associated vasculopathy with onset in infancy. Also called: Sting-associated vasculopathy, infantile-onset. Identifiers: Orphanet 425120, MedGen C4014722, MONDO:0014405, OMIM 615934.

gnomAD v4.1: 2 of 1,614,204 alleles (0.00012%); highest among the groups gnomAD compares: Non-Finnish European, 0.00017%; no homozygotes.

Submission:

Labcorp Genetics (formerly Invitae), Labcorp
Classification: Uncertain significance for STING-associated vasculopathy with onset in infancy. Last evaluated: 2024-08-28. Review status: criteria provided, single submitter. Criteria: Invitae Variant Classification Sherloc (09022015). Collection method: clinical testing. Allele origin: germline.
Comment: This sequence change replaces alanine, which is neutral and non-polar, with threonine, which is neutral and polar, at codon 300 of the TMEM173 protein (p.Ala300Thr). This variant is not present in population databases (gnomAD no frequency). This variant has not been reported in the literature in individuals affected with TMEM173-related conditions. Invitae Evidence Modeling of protein sequence and biophysical properties (such as structural, functional, and spatial information, amino acid conservation, physicochemical variation, residue mobility, and thermodynamic stability) indicates that this missense variant is not expected to disrupt TMEM173 protein function with a negative predictive value of 80%. In summary, the available evidence is currently insufficient to determine the role of this variant in disease. Therefore, it has been classified as a Variant of Uncertain Significance.